The following is an entry in ClinVar:

NM_007294.4(BRCA1):c.1233T>G (p.Asp411Glu)

Gene: BRCA1 (BRCA1 DNA repair associated; minus strand). Cytogenetic location: 17q21.31.
Variant type: single nucleotide variant.
Coding change: c.1233T>G on transcript NM_007294.4 (MANE Select); coding-DNA position 1233, T replaced by G.
Protein change: p.Asp411Glu; replaces aspartic acid 411 with glutamic acid.
Molecular consequence: missense variant. On other transcripts: intron variant (137).
Genome position (GRCh38, 1-based): chr17:43,094,298, A>C on the plus strand (T>G on the coding strand, the complement: BRCA1 is on the minus strand). VCF-style: chr17-43094298-A-C. GRCh37 (hg19) VCF-style: chr17-41246315-A-C.
Other names: NM_007294.4(BRCA1):c.1233T>G; 1352T>G; c.1233T>G, p.Asp411Glu (NM_001407583.1, NM_001407585.1, NM_001407593.1 and 30 more transcripts); c.1230T>G, p.Asp410Glu (NM_001407587.1, NM_001407590.1, NM_001407591.1 and 22 more transcripts); c.1224T>G, p.Asp408Glu (NM_001407646.1, NM_001407647.1); c.1110T>G, p.Asp370Glu (NM_001407648.1, NM_001407664.1, NM_001407665.1 and 19 more transcripts); c.1107T>G, p.Asp369Glu (NM_001407649.1, NM_001407670.1, NM_001407671.1 and 11 more transcripts); c.1155T>G, p.Asp385Glu (NM_001407653.1, NM_001407654.1, NM_001407655.1 and 4 more transcripts); and 42 more; short protein forms D411E, D364E, D300E, D323E, D344E, D410E, D283E, D322E.
Identifiers: ClinVar variation 41804 (VCV000041804.36), dbSNP rs80357024, ClinGen allele CA000811.

ClinVar aggregate classification (germline): Benign. Review status: reviewed by expert panel (3 of 4 stars). 16 submissions from 16 submitters: Benign (1). 15 of the submissions do not count toward it. Last evaluated 2024-06-11.

Conditions:
BRCA1-related disorder. Also called: BRCA1-related condition.
BRCA1-related cancer predisposition. Identifiers: MedGen CN377757, MONDO:0700268.
Hereditary cancer-predisposing syndrome. Also called: Tumor predisposition; Neoplastic Syndromes, Hereditary; Hereditary Cancer Syndrome; Hereditary neoplastic syndrome. Identifiers: Orphanet 140162, MedGen C0027672, MeSH D009386, MONDO:0015356.
Hereditary breast ovarian cancer syndrome. Also called: Hereditary breast and ovarian cancer syndrome (HBOC); Hereditary breast and ovarian cancer syndrome; Hereditary breast and ovarian cancer; Hereditary breast and/or ovarian cancer syndrome; Breast and ovarian cancer; BRCA1- and BRCA2-Associated Hereditary Breast and Ovarian Cancer. Identifiers: Orphanet 145, MedGen C0677776, MeSH D061325, MONDO:0003582. Disease mechanism: loss of function.
Breast-ovarian cancer, familial, susceptibility to, 1 (BROVCA1). Also called: OVARIAN CANCER, SUSCEPTIBILITY TO; BRCA1 Hereditary Breast and Ovarian Cancer. Identifiers: Orphanet 145, MedGen C2676676, MONDO:0011450, OMIM 604370. Disease mechanism: loss of function.
Malignant tumor of breast. Also called: Malignant breast neoplasm; Cancer breast. Identifiers: MedGen C0006142, MONDO:0007254. Disease mechanism: loss of function.

Allele frequency attached by ClinVar (database versions not stated): gnomAD exomes 0.00001 and 0.00004; ExAC 0.00004; gnomAD 0.00012 and 0.00013; ESP Exome Variant Server 0.00015; 1000 Genomes Project 30x 0.00016; TOPMed 0.00017; 1000 Genomes Project 0.00020.
gnomAD v4.1: 41 of 1,614,214 alleles (0.0025%); highest among the groups gnomAD compares: African/African-American, 0.04%; no homozygotes.

Submissions 1 to 12 of 16:

ClinGen ENIGMA BRCA1 and BRCA2 Variant Curation Expert Panel, ClinGen
Classification: Benign for BRCA1-related cancer predisposition. Last evaluated: 2024-06-11. Review status: reviewed by expert panel. Criteria: CSpec BRCA1/2ACMG Rules Specifications V1.0. Collection method: curation. Allele origin: germline. Inheritance: Autosomal dominant inheritance.
Comment: The c.1233T>G variant in BRCA1 is a missense variant predicted to cause substitution of Aspartic acid by Glutamic acid at amino acid 411 (p.Asp411Glu). The highest non-cancer, non-founder population filter allele frequency in gnomAD v2.1 (exomes only, non-cancer subset, read depth >=20) or gnomAD v3.1 (non-cancer subset, read depth >=20) is 0.0002413 in the African/African American population, which is above the ENIGMA BRCA1/2 VCEP threshold (>0.0001) for BS1, and below the BA1 threshold (>0.001) (BS1 met). This missense variant is located outside of a key functional domain and was not predicted to alter mRNA splicing using the SpliceAI predictor (score 0.07, score threshold <0.1) (BP1_Strong met). Reported by one calibrated study to exhibit protein function similar to benign control variants (PMID: 32546644) (BS3 met). In summary, this variant meets the criteria to be classified as a Benign variant for BRCA1-related cancer predisposition based on the ACMG/AMP criteria applied as specified by the ENIGMA BRCA1/2 VCEP (BS1, BP1_Strong, BS3).

Women's Health and Genetics/Laboratory Corporation of America, LabCorp
Classification: Likely benign. Last evaluated: 2026-01-14. Review status: criteria provided, single submitter. Criteria: LabCorp Variant Classification Summary - May 2015. Collection method: clinical testing. Allele origin: germline. Not counted in ClinVar's aggregate classification.
Comment: Variant summary: BRCA1 c.1233T>G (p.Asp411Glu) results in a conservative amino acid change located in the serine-rich domain (IPR025994) of the encoded protein sequence. Algorithms developed to predict the effect of missense changes on protein structure and function all suggest that this variant is likely to be tolerated. The variant allele was found at a frequency of 2.9e-05 in 349536 control chromosomes, predominantly at a frequency of 0.00049 within the African or African-American subpopulation in the gnomAD database. Though this frequency is not higher than estimated for a pathogenic variant in BRCA1 causing Hereditary Breast and Ovarian Cancer (0.00049 vs 0.001), the variant might still represent a benign polymorphism. In addition, the variant was also reported in 1/7325 European American women (frequency: 0.00014) and 2/2559 African American women (frequency: 0.0008), who were older than age 70 years and have never had cancer (in the FLOSSIES database). Overall, the available data on variant occurrences in the general population are insufficient to allow any conclusion about variant significance. c.1233T>G has been reported in the literature as a VUS in settings of multigene panel testing/custom genotyping arrays in cohorts of individuals with breast cancer (example, Maxwell_2014, Judkins_2005, Abkevich_2004, Shimelis_2017). These reports do not provide unequivocal conclusions about association of the variant with Hereditary Breast And Ovarian Cancer Syndrome. To our knowledge, no experimental evidence demonstrating an impact on protein function has been reported. The following publications have been ascertained in the context of this evaluation (PMID: 15235020, 16518693, 22703879, 16267036, 25503501, 21523855, 15385441, 28283652). ClinVar contains an entry for this variant (Variation ID: 41804). Based on the evidence outlined above, the variant was classified as likely benign.

Labcorp Genetics (formerly Invitae), Labcorp
Classification: Likely benign for Hereditary breast ovarian cancer syndrome. Last evaluated: 2026-01-12. Review status: criteria provided, single submitter. Criteria: Invitae Variant Classification Sherloc (09022015). Collection method: clinical testing. Allele origin: germline. Not counted in ClinVar's aggregate classification.

PreventionGenetics, part of Exact Sciences
Classification: Likely benign for BRCA1-related condition. Last evaluated: 2025-05-27. Review status: criteria provided, single submitter. Criteria: ACMG Guidelines, 2015. Collection method: clinical testing. Allele origin: germline. Not counted in ClinVar's aggregate classification.
Comment: This variant is classified as likely benign based on ACMG/AMP sequence variant interpretation guidelines (Richards et al. 2015 PMID: 25741868, with internal and published modifications).

Color Diagnostics, LLC DBA Color Health
Classification: Benign for Hereditary cancer-predisposing syndrome. Last evaluated: 2024-09-17. Review status: criteria provided, single submitter. Criteria: ACMG Guidelines, 2015. Collection method: clinical testing. Allele origin: germline. Not counted in ClinVar's aggregate classification.

ARUP Laboratories, Molecular Genetics and Genomics, ARUP Laboratories
Classification: Benign. Last evaluated: 2024-04-18. Review status: criteria provided, single submitter. Criteria: ARUP Molecular Germline Variant Investigation Process 2024. Collection method: clinical testing. Allele origin: germline. Not counted in ClinVar's aggregate classification.

All of Us Research Program, National Institutes of Health
Classification: Benign for Breast-ovarian cancer, familial, susceptibility to, 1. Last evaluated: 2024-02-05. Review status: criteria provided, single submitter. Criteria: ACMG Guidelines, 2015. Collection method: clinical testing. Allele origin: germline. Inheritance: Autosomal dominant inheritance. Observed: 9 variant alleles, 9 heterozygotes. Not counted in ClinVar's aggregate classification.
Comment: This study involves interpretation of variants in research participants for the purpose of population health screening. Participant phenotype was not available at the time of variant classification. Additional details can be found in publication PMID: 35346344, PMCID: PMC8962531

Blueprint Genetics
Classification: Likely benign. Last evaluated: 2021-09-09. Review status: criteria provided, single submitter. Criteria: ACMG Guidelines, 2015. Collection method: clinical testing. Allele origin: germline. Not counted in ClinVar's aggregate classification.

Sema4
Classification: Likely benign for Hereditary cancer-predisposing syndrome. Last evaluated: 2020-12-07. Review status: criteria provided, single submitter. Criteria: Sema4 Curation Guidelines. Collection method: curation. Allele origin: germline. Not counted in ClinVar's aggregate classification.

Quest Diagnostics Nichols Institute San Juan Capistrano
Classification: Likely benign. Last evaluated: 2019-12-05. Review status: criteria provided, single submitter. Criteria: Quest Diagnostics criteria. Collection method: clinical testing. Allele origin: unknown. Not counted in ClinVar's aggregate classification.

Ambry Genetics
Classification: Likely benign for Hereditary cancer-predisposing syndrome. Last evaluated: 2018-12-10. Review status: criteria provided, single submitter. Criteria: Ambry Variant Classification Scheme 2023. Collection method: clinical testing. Allele origin: germline. Not counted in ClinVar's aggregate classification.

GeneDx
Classification: Likely benign. Last evaluated: 2017-11-21. Review status: criteria provided, single submitter. Criteria: GeneDx Variant Classification (06012015). Collection method: clinical testing. Allele origin: germline. Affected: yes. Not counted in ClinVar's aggregate classification.
Comment: This variant is considered likely benign or benign based on one or more of the following criteria: it is a conservative change, it occurs at a poorly conserved position in the protein, it is predicted to be benign by multiple in silico algorithms, and/or has population frequency not consistent with disease.